The following is an entry in ClinVar:

ClinVar aggregate classification (germline): Uncertain significance (1 of 4 stars; one submission).

Submission:

Labcorp Genetics (formerly Invitae), Labcorp
Classification: Uncertain significance. Last evaluated: 2023-09-03. Review status: criteria provided, single submitter. Criteria: Invitae Variant Classification Sherloc (09022015). Collection method: clinical testing. Allele origin: germline.
Comment: In summary, the available evidence is currently insufficient to determine the role of this variant in disease. Therefore, it has been classified as a Variant of Uncertain Significance. An algorithm developed to predict the effect of missense changes on protein structure and function (PolyPhen-2) suggests that this variant is likely to be tolerated. This variant has not been reported in the literature in individuals affected with NFIA-related conditions. This variant is not present in population databases (gnomAD no frequency). This sequence change replaces isoleucine, which is neutral and non-polar, with leucine, which is neutral and non-polar, at codon 474 of the NFIA protein (p.Ile474Leu).

NM_001134673.4(NFIA):c.1420A>C (p.Thr474Pro)

Gene: NFIA (nuclear factor I A; plus strand). Cytogenetic location: 1p31.3.
Variant type: single nucleotide variant.
Coding change: c.1420A>C on transcript NM_001134673.4 (MANE Select); coding-DNA position 1420, A replaced by C.
Protein change: p.Thr474Pro; replaces threonine 474 with proline.
Molecular consequence: missense variant.
Genome position (GRCh38, 1-based): chr1:61,406,727, A>C. VCF-style: chr1-61406727-A-C. GRCh37 (hg19) VCF-style: chr1-61872399-A-C.
Other names: c.1396A>C, p.Thr466Pro (NM_001145511.2); c.1555A>C, p.Thr519Pro (NM_001145512.2); c.1420A>C, p.Ile474Leu (NM_005595.5); short protein forms T474P, T466P, I474L, T519P.
Identifiers: ClinVar variation 2715322 (VCV002715322.3), dbSNP rs2525317135, ClinGen allele CA340589749.